The following is an entry in ClinVar:

NC_000023.11:g.(?_22178273)_(22190502_?)dup

Gene: PHEX (phosphate regulating endopeptidase X-linked; plus strand). Cytogenetic location: Xp22.11.
Variant type: Duplication.
Identifiers: ClinVar variation 831232 (VCV000831232.6).

ClinVar aggregate classification (germline): Uncertain significance (1 of 4 stars; one submission).

Submission:

Labcorp Genetics (formerly Invitae), Labcorp
Classification: Uncertain significance. Last evaluated: 2021-08-04. Review status: criteria provided, single submitter. Criteria: Invitae Variant Classification Sherloc (09022015). Collection method: clinical testing. Allele origin: germline.
Comment: This variant results in a copy number gain of the genomic region encompassing exon(s) 14-15 of the PHEX gene. While the exact position of this variant cannot be determined from the data, sub-genic copy number gains are generally in tandem (PMID: 25640679). This variant is predicted to be in-frame, and likely preserves the integrity of the reading frame. A similar copy number variant has been observed in individual(s) with X-linked hypophosphatemic rickets (Invitae). In summary, the available evidence is currently insufficient to determine the role of this variant in disease. Therefore, it has been classified as a Variant of Uncertain Significance.

Literature cited by the submitters: PubMed 25640679.